The following is an entry in ClinVar:

ClinVar aggregate classification (germline): Uncertain significance (1 of 4 stars; one submission).

Conditions:
Epilepsy, familial focal, with variable foci 1 (FFEVF1). Also called: DEPDC5-Related Epilepsy. Identifiers: MedGen C4551983, MONDO:0024556, OMIM 604364.

Allele frequency attached by ClinVar (database versions not stated): gnomAD exomes below 0.00001.

Submission:

Foundation for Research in Genetics and Endocrinology, FRIGE's Institute of Human Genetics
Classification: Uncertain significance for Epilepsy, familial focal, with variable foci 1. Last evaluated: 2022-03-16. Review status: criteria provided, single submitter. Criteria: ACMG Guidelines, 2015. Collection method: clinical testing. Allele origin: germline. Inheritance: Autosomal dominant inheritance. Affected: yes. Observed: 1 heterozygote.
Comment: A heterozygous variation in exon 26 of the DEPDC5 gene that results in the amino acid substitution of Arginine acid at codon 825 was detected that leads to termination. The observed variant c.2473C>T (p.Arg825Ter) has not been reported in the 1000 genomes and has a minor allele frequency of 0.001% in the gnomAD database. The in silico prediction of the variant is benign. The reference codon is conserved across species. In summary, the variant meets our criteria to be classified as a variant of uncertain significance.

NM_001242896.3(DEPDC5):c.2500C>T (p.Pro834Ser)

Gene: DEPDC5 (DEP domain containing 5, GATOR1 subcomplex subunit; plus strand). Cytogenetic location: 22q12.3.
Variant type: single nucleotide variant.
Coding change: c.2500C>T on transcript NM_001242896.3 (MANE Select); coding-DNA position 2500, C replaced by T.
Protein change: p.Pro834Ser; replaces proline 834 with serine.
Molecular consequence: missense variant. On other transcripts: non-coding transcript variant (5).
Genome position (GRCh38, 1-based): chr22:31,838,830, C>T. VCF-style: chr22-31838830-C-T. GRCh37 (hg19) VCF-style: chr22-32234816-C-T.
Other names: p.Arg825Ter; c.2473C>T, p.Pro825Ser (NM_001136029.4, NM_001369903.1, NM_014662.6); c.2266C>T, p.Pro756Ser (NM_001242897.2, NM_001363854.2, NM_001364319.2); c.2500C>T, p.Pro834Ser (NM_001363852.2, NM_001364318.2, NM_001364320.2); c.2416C>T, p.Pro806Ser (NM_001369901.1, NM_001369902.1); short protein forms P756S, P806S, P825S, P834S.
Identifiers: ClinVar variation 1707415 (VCV001707415.3), dbSNP rs1569067813, ClinGen allele CA411287728.